The following is an entry in ClinVar:

NM_000057.4(BLM):c.1256G>A (p.Ser419Asn)

Gene: BLM (BLM RecQ like helicase; plus strand). Cytogenetic location: 15q26.1.
Variant type: single nucleotide variant.
Coding change: c.1256G>A on transcript NM_000057.4 (MANE Select); coding-DNA position 1256, G replaced by A.
Protein change: p.Ser419Asn; replaces serine 419 with asparagine.
Molecular consequence: missense variant.
Genome position (GRCh38, 1-based): chr15:90,760,629, G>A. VCF-style: chr15-90760629-G-A. GRCh37 (hg19) VCF-style: chr15-91303859-G-A.
Other names: c.1256G>A, p.Ser419Asn (NM_001287246.2, NM_001287247.2); c.131G>A, p.Ser44Asn (NM_001287248.2); short protein forms S44N, S419N.
Identifiers: ClinVar variation 3578154 (VCV003578154.2).

ClinVar aggregate classification (germline): Uncertain significance. Review status: criteria provided, multiple submitters, no conflicts (2 of 4 stars). 2 submissions from 2 submitters: Uncertain significance (2). Last evaluated 2025-09-28.

Conditions:
Bloom syndrome (BLM). Also called: Bloom-Torre-Machacek syndrome. Identifiers: Orphanet 125, MedGen C0005859, MONDO:0008876, OMIM 210900.

gnomAD v4.1: 2 of 1,612,308 alleles (0.00012%); highest among the groups gnomAD compares: East Asian, 0.0022%; no homozygotes.

Submissions (2):

Labcorp Genetics (formerly Invitae), Labcorp
Classification: Uncertain significance for Bloom syndrome. Last evaluated: 2025-09-28. Review status: criteria provided, single submitter. Criteria: Invitae Variant Classification Sherloc (09022015). Collection method: clinical testing. Allele origin: germline.
Comment: This sequence change replaces serine, which is neutral and polar, with asparagine, which is neutral and polar, at codon 419 of the BLM protein (p.Ser419Asn). This variant is not present in population databases (gnomAD no frequency). This variant has not been reported in the literature in individuals affected with BLM-related conditions. ClinVar contains an entry for this variant (Variation ID: 3578154). Invitae Evidence Modeling of protein sequence and biophysical properties (such as structural, functional, and spatial information, amino acid conservation, physicochemical variation, residue mobility, and thermodynamic stability) indicates that this missense variant is not expected to disrupt BLM protein function with a negative predictive value of 80%. In summary, the available evidence is currently insufficient to determine the role of this variant in disease. Therefore, it has been classified as a Variant of Uncertain Significance.

Fulgent Genetics
Classification: Uncertain significance for Bloom syndrome. Last evaluated: 2024-04-10. Review status: criteria provided, single submitter. Criteria: ACMG Guidelines, 2015. Collection method: clinical testing. Allele origin: germline.